The following is an entry in ClinVar:

ClinVar aggregate classification (germline): Benign/Likely benign. Review status: criteria provided, multiple submitters, no conflicts (2 of 4 stars). 10 submissions from 10 submitters: Benign (2); Likely benign (8). Last evaluated 2026-06-26.

Conditions:
SLC34A3-related disorder. Also called: SLC34A3-related condition.
Autosomal recessive hypophosphatemic bone disease (HHRH). Also called: Hypophosphatemic rickets with hypercalciuria; HYPERCALCIURIC RICKETS. Identifiers: Orphanet 157215, MedGen C1853271, MONDO:0009431, OMIM 241530.

Allele frequency attached by ClinVar (database versions not stated): 1000 Genomes Project 0.00200; 1000 Genomes Project 30x 0.00234; TOPMed 0.00342; gnomAD 0.00395; gnomAD exomes 0.00430; ExAC 0.00441; ESP Exome Variant Server 0.00446.
gnomAD v4.1: 8,450 of 1,612,850 alleles (0.52%); highest among the groups gnomAD compares: Non-Finnish European, 0.6%; 31 homozygotes.

Submissions (10):

PreventionGenetics, part of Exact Sciences
Classification: Likely benign for SLC34A3-related condition. Last evaluated: 2026-06-26. Review status: criteria provided, single submitter. Criteria: ACMG Guidelines, 2015. Collection method: clinical testing. Allele origin: germline.
Comment: This variant is classified as likely benign based on ACMG/AMP sequence variant interpretation guidelines (Richards et al. 2015 PMID: 25741868, with internal and published modifications).

Labcorp Genetics (formerly Invitae), Labcorp
Classification: Benign. Last evaluated: 2026-02-04. Review status: criteria provided, single submitter. Criteria: Invitae Variant Classification Sherloc (09022015). Collection method: clinical testing. Allele origin: germline.

ARUP Laboratories, Molecular Genetics and Genomics, ARUP Laboratories
Classification: Likely benign for Autosomal recessive hypophosphatemic bone disease. Last evaluated: 2025-06-19. Review status: criteria provided, single submitter. Criteria: ARUP Molecular Germline Variant Investigation Process 2024. Collection method: clinical testing. Allele origin: germline.

Mayo Clinic Laboratories, Mayo Clinic
Classification: Likely benign. Last evaluated: 2025-03-29. Review status: criteria provided, single submitter. Criteria: ACMG Guidelines, 2015. Collection method: clinical testing. Allele origin: germline. Observed: 3 variant alleles.
Comment: BS1, BP4, BP7

Blueprint Genetics
Classification: Likely benign. Last evaluated: 2024-11-27. Review status: criteria provided, single submitter. Criteria: ACMG Guidelines, 2015. Collection method: clinical testing. Allele origin: germline.

CeGaT Center for Human Genetics Tuebingen
Classification: Likely benign. Last evaluated: 2024-05-01. Review status: criteria provided, single submitter. Criteria: CeGaT Center For Human Genetics Tuebingen Variant Classification Criteria Version 2. Collection method: clinical testing. Allele origin: germline. Affected: yes. Observed: 7 variant alleles.
Comment: SLC34A3: BP4, BP7, BS2

GeneDx
Classification: Likely benign. Last evaluated: 2020-01-06. Review status: criteria provided, single submitter. Criteria: GeneDx Variant Classification Process June 2021. Collection method: clinical testing. Allele origin: germline. Affected: yes.

Genetic Services Laboratory, University of Chicago
Classification: Likely benign. Last evaluated: 2016-11-07. Review status: criteria provided, single submitter. Criteria: ACMG Guidelines, 2015. Collection method: clinical testing. Allele origin: germline. Affected: no.

Eurofins Ntd Llc (ga)
Classification: Benign. Last evaluated: 2015-11-13. Review status: criteria provided, single submitter. Criteria: EGL Classification Definitions 2015. Collection method: clinical testing. Allele origin: germline. Observed: 1 variant allele, 1 heterozygote.

Breakthrough Genomics
Classification: Likely benign. Review status: criteria provided, single submitter. Criteria: ACMG Guidelines, 2015. Collection method: not provided. Allele origin: germline. Inheritance: Autosomal recessive inheritance. Affected: yes.

Literature cited by the submitters: PubMed 16849419 (cited by Mayo Clinic Laboratories, Mayo Clinic).

NM_001177316.2(SLC34A3):c.273C>T (p.Asp91=)

Gene: SLC34A3 (solute carrier family 34 member 3; plus strand). Cytogenetic location: 9q34.3.
Variant type: single nucleotide variant.
Coding change: c.273C>T on transcript NM_001177316.2 (MANE Select); coding-DNA position 273, C replaced by T.
Protein change: p.Asp91=; no amino-acid change (aspartic acid 91 retained).
Molecular consequence: synonymous variant.
Genome position (GRCh38, 1-based): chr9:137,232,672, C>T. VCF-style: chr9-137232672-C-T. GRCh37 (hg19) VCF-style: chr9-140127124-C-T.
Other names: p.Asp91=; c.273C>T, p.Asp91= (NM_001177317.2, NM_080877.3).
Identifiers: ClinVar variation 284536 (VCV000284536.59), dbSNP rs145677050, ClinGen allele CA5364297.
Genomic context (GRCh38, chr9:137,232,672, plus strand): 5'-CAGCGTCCTCAAGGCCTGCGGGCTCCTCGGCAGCCTGTACTTCTTCATCTGCTCTCTGGA[C>T]GTCCTCAGCTCCGCCTTCCAGCTGCTGGGCAGTGAGTGACGGGACGGGTGCCCAGGGCGG-3'
Protein context (NP_001170787.2, residues 81-101): GSLYFFICSL[Asp91=]VLSSAFQLLG